The following is an entry in ClinVar:

NM_001080467.3(MYO5B):c.2921G>C (p.Gly974Ala)

Gene: MYO5B (myosin VB; minus strand). Cytogenetic location: 18q21.1.
Variant type: single nucleotide variant.
Coding change: c.2921G>C on transcript NM_001080467.3 (MANE Select); coding-DNA position 2921, G replaced by C.
Protein change: p.Gly974Ala; replaces glycine 974 with alanine.
Molecular consequence: missense variant.
Genome position (GRCh38, 1-based): chr18:49,895,065, C>G on the plus strand (G>C on the coding strand, the complement: MYO5B is on the minus strand). VCF-style: chr18-49895065-C-G. GRCh37 (hg19) VCF-style: chr18-47421435-C-G.
Other names: short protein forms G974A.
Identifiers: ClinVar variation 1010514 (VCV001010514.8), dbSNP rs767079186, ClinGen allele CA8960896.

ClinVar aggregate classification (germline): Uncertain significance (1 of 4 stars; one submission).

Allele frequency attached by ClinVar (database versions not stated): ExAC 0.00002; gnomAD exomes 0.00002; gnomAD 0.00003; TOPMed 0.00003.
gnomAD v4.1: 32 of 1,614,034 alleles (0.002%); highest among the groups gnomAD compares: African/African-American, 0.0027%; no homozygotes.

Submission:

Labcorp Genetics (formerly Invitae), Labcorp
Classification: Uncertain significance. Last evaluated: 2024-10-16. Review status: criteria provided, single submitter. Criteria: Invitae Variant Classification Sherloc (09022015). Collection method: clinical testing. Allele origin: germline.
Comment: This sequence change replaces glycine, which is neutral and non-polar, with alanine, which is neutral and non-polar, at codon 974 of the MYO5B protein (p.Gly974Ala). This variant is present in population databases (rs767079186, gnomAD 0.005%). This variant has not been reported in the literature in individuals affected with MYO5B-related conditions. ClinVar contains an entry for this variant (Variation ID: 1010514). Invitae Evidence Modeling of protein sequence and biophysical properties (such as structural, functional, and spatial information, amino acid conservation, physicochemical variation, residue mobility, and thermodynamic stability) indicates that this missense variant is not expected to disrupt MYO5B protein function with a negative predictive value of 80%. In summary, the available evidence is currently insufficient to determine the role of this variant in disease. Therefore, it has been classified as a Variant of Uncertain Significance.